The following is an entry in ClinVar:

ClinVar aggregate classification (germline): Uncertain significance (1 of 4 stars; one submission).

Submission:

Ambry Genetics
Classification: Uncertain significance. Last evaluated: 2022-06-24. Review status: criteria provided, single submitter. Criteria: Ambry Variant Classification Scheme 2023. Collection method: clinical testing. Allele origin: germline.
Comment: The p.S1155N variant (also known as c.3464G>A), located in coding exon 16 of the POLQ gene, results from a G to A substitution at nucleotide position 3464. The serine at codon 1155 is replaced by asparagine, an amino acid with highly similar properties. This amino acid position is conserved. In addition, this alteration is predicted to be tolerated by in silico analysis. Since supporting evidence is limited at this time, the clinical significance of this alteration remains unclear.

NM_199420.4(POLQ):c.3464G>A (p.Ser1155Asn)

Gene: POLQ (DNA polymerase theta; minus strand). Cytogenetic location: 3q13.33.
Variant type: single nucleotide variant.
Coding change: c.3464G>A on transcript NM_199420.4 (MANE Select); coding-DNA position 3464, G replaced by A.
Protein change: p.Ser1155Asn; replaces serine 1155 with asparagine.
Molecular consequence: missense variant.
Genome position (GRCh38, 1-based): chr3:121,489,467, C>T on the plus strand (G>A on the coding strand, the complement: POLQ is on the minus strand). VCF-style: chr3-121489467-C-T. GRCh37 (hg19) VCF-style: chr3-121208314-C-T.
Other names: short protein forms S1155N.
Identifiers: ClinVar variation 1731665 (VCV001731665.2), dbSNP rs2048045160, ClinGen allele CA354099866.
Genomic context (GRCh38, chr3:121,489,467, plus strand): 5'-TTTTGTATCAGCACTTCATTTATTTTTTCTGCCTCAACAGCTACTCCTCTGCCCTTTTCA[C>T]TAACCACACTAGTGGCCTGACAAGTCACATTTTTACTCTGAGATCCTGTGACAATATGCT-3'
Protein context (NP_955452.3, residues 1145-1165): NVTCQATSVV[Ser1155Asn]EKGRGVAVEA